The following is an entry in ClinVar:

NM_006245.4(PPP2R5D):c.758G>C (p.Arg253Pro)

Gene: PPP2R5D (protein phosphatase 2 regulatory subunit B'delta; plus strand). Cytogenetic location: 6p21.1.
Variant type: single nucleotide variant.
Coding change: c.758G>C on transcript NM_006245.4 (MANE Select); coding-DNA position 758, G replaced by C.
Protein change: p.Arg253Pro; replaces arginine 253 with proline.
Molecular consequence: missense variant.
Genome position (GRCh38, 1-based): chr6:43,007,966, G>C. VCF-style: chr6-43007966-G-C. GRCh37 (hg19) VCF-style: chr6-42975704-G-C.
Other names: c.305G>C, p.Arg102Pro (NM_001270476.2); c.662G>C, p.Arg221Pro (NM_180976.3); c.440G>C, p.Arg147Pro (NM_180977.3); short protein forms R102P, R147P, R221P, R253P.
Identifiers: ClinVar variation 984827 (VCV000984827.9), dbSNP rs1131691266, ClinGen allele CA364189195.
Genomic context (GRCh38, chr6:43,007,966, plus strand): 5'-TGGCTGCTTTCCCTCCCTTGTACCCCCAGCTCCTAGACCTATTTGACAGTGAGGATCCTC[G>C]AGAGCGGGACTTCCTCAAGACCATTTTGCATCGCATCTATGGCAAGTTTTTGGGGCTCCG-3'
Protein context (NP_006236.1, residues 243-263): LLDLFDSEDP[Arg253Pro]ERDFLKTILH

ClinVar aggregate classification (germline): Pathogenic/Likely pathogenic. Review status: criteria provided, multiple submitters, no conflicts (2 of 4 stars). 3 submissions from 3 submitters: Pathogenic (2); Likely pathogenic (1). Last evaluated 2025-01-01.

Conditions:
Houge-Janssens syndrome 1. Also called: Intellectual disability-macrocephaly-hypotonia-behavioral abnormalities syndrome; INTELLECTUAL DEVELOPMENTAL DISORDER, AUTOSOMAL DOMINANT 35; Hogue-Janssens syndrome 1; PPP2R5D-Related Neurodevelopmental Disorder. Identifiers: Orphanet 457279, MedGen C5779996, MONDO:0014602, OMIM 616355.
Neurodevelopmental abnormality. Identifiers: MedGen C4022737, HP:0012759.

Submissions (3):

Center of Human Genetics, Hôpital Erasme
Classification: Likely pathogenic for Houge-Janssens syndrome 1. Last evaluated: 2025-01-01. Review status: criteria provided, single submitter. Criteria: ACMG Guidelines, 2015. Collection method: clinical testing. Allele origin: de novo. Affected: yes.

Clinical Genetics Laboratory, Skane University Hospital Lund
Classification: Pathogenic for Neurodevelopmental abnormality. Last evaluated: 2024-08-21. Review status: criteria provided, single submitter. Criteria: ACMG Guidelines, 2015. Collection method: clinical testing. Allele origin: de novo. Inheritance: Autosomal dominant inheritance. Affected: yes.
Comment: PS2, PS3 (PMID: 36216457), PS4_Supporting, PM2

GeneDx
Classification: Pathogenic. Last evaluated: 2024-08-07. Review status: criteria provided, single submitter. Criteria: GeneDx Variant Classification Process June 2021. Collection method: clinical testing. Allele origin: germline. Affected: yes.
Comment: Published functional studies demonstrate a damaging effect, including significantly impaired substrate binding (PMID: 36216457); In silico analysis supports that this missense variant has a deleterious effect on protein structure/function; Not observed at significant frequency in large population cohorts (gnomAD); This variant is associated with the following publications: (PMID: 36216457)